The following is an entry in ClinVar:

ClinVar aggregate classification (germline): Uncertain significance (1 of 4 stars; one submission).

Allele frequency attached by ClinVar (database versions not stated): TOPMed below 0.00001; gnomAD exomes 0.00001.

Submission:

Labcorp Genetics (formerly Invitae), Labcorp
Classification: Uncertain significance. Last evaluated: 2023-08-23. Review status: criteria provided, single submitter. Criteria: Invitae Variant Classification Sherloc (09022015). Collection method: clinical testing. Allele origin: germline.
Comment: In summary, the available evidence is currently insufficient to determine the role of this variant in disease. Therefore, it has been classified as a Variant of Uncertain Significance. This variant is present in population databases (no rsID available, gnomAD 0.0009%). This variant has not been reported in the literature in individuals affected with LRP6-related conditions. Advanced modeling of protein sequence and biophysical properties (such as structural, functional, and spatial information, amino acid conservation, physicochemical variation, residue mobility, and thermodynamic stability) performed at Invitae indicates that this missense variant is not expected to disrupt LRP6 protein function. This sequence change replaces asparagine, which is neutral and polar, with serine, which is neutral and polar, at codon 651 of the LRP6 protein (p.Asn651Ser).

NM_002336.3(LRP6):c.1952A>G (p.Asn651Ser)

Gene: LRP6 (LDL receptor related protein 6; minus strand). Cytogenetic location: 12p13.2.
Variant type: single nucleotide variant.
Coding change: c.1952A>G on transcript NM_002336.3 (MANE Select); coding-DNA position 1952, A replaced by G.
Protein change: p.Asn651Ser; replaces asparagine 651 with serine.
Molecular consequence: missense variant. On other transcripts: non-coding transcript variant (1), intron variant (1).
Genome position (GRCh38, 1-based): chr12:12,164,373, T>C on the plus strand (A>G on the coding strand, the complement: LRP6 is on the minus strand). VCF-style: chr12-12164373-T-C. GRCh37 (hg19) VCF-style: chr12-12317307-T-C.
Other names: c.1952A>G, p.Asn651Ser (NM_001414244.1, NM_001414245.1, NM_001414246.1 and 4 more transcripts); c.1754A>G, p.Asn585Ser (NM_001414247.1); c.1499A>G, p.Asn500Ser (NM_001414252.1, NM_001414253.1, NM_001414254.1); c.1546-1954A>G (NM_001414255.1); short protein forms N500S, N651S, N585S.
Identifiers: ClinVar variation 2967113 (VCV002967113.3), dbSNP rs1203792415, ClinGen allele CA383946490.